The following is an entry in ClinVar:

NM_001047.4(SRD5A1):c.294-3A>C

Gene: SRD5A1 (steroid 5 alpha-reductase 1; plus strand). Cytogenetic location: 5p15.31.
Variant type: single nucleotide variant.
Coding change: c.294-3A>C on transcript NM_001047.4 (MANE Select); 3 bases into the intron before coding-DNA position 294, A replaced by C.
Molecular consequence: intron variant.
Genome position (GRCh38, 1-based): chr5:6,651,839, A>C. VCF-style: chr5-6651839-A-C. GRCh37 (hg19) VCF-style: chr5-6651952-A-C.
Other names: c.75-3A>C (NM_001324323.2); c.320-4239A>C (NM_001324322.2).
Identifiers: ClinVar variation 3777842 (VCV003777842.7).

ClinVar aggregate classification (germline): Likely benign (1 of 4 stars; one submission).

gnomAD v4.1: 8,488 of 1,603,690 alleles (0.53%); highest among the groups gnomAD compares: Non-Finnish European, 0.51%; 44 homozygotes.

Submission:

CeGaT Center for Human Genetics Tuebingen
Classification: Likely benign. Last evaluated: 2025-03-01. Review status: criteria provided, single submitter. Criteria: CeGaT Center For Human Genetics Tuebingen Variant Classification Criteria Version 2. Collection method: clinical testing. Allele origin: germline. Affected: yes. Observed: 1 variant allele.
Comment: SRD5A1: BP4, BS2